The following is an entry in ClinVar:

ClinVar aggregate classification (germline): Uncertain significance. Review status: criteria provided, single submitter (1 of 4 stars). 2 submissions from 2 submitters: Uncertain significance (1). 1 of the submissions does not count toward it. Last evaluated 2026-03-20.

Conditions:
Charlevoix-Saguenay spastic ataxia (SACS). Also called: SPASTIC ATAXIA 6, AUTOSOMAL RECESSIVE; AUTOSOMAL RECESSIVE SPASTIC ATAXIA OF CHARLEVOIX-SAGUENAY; Spastic ataxia of Charlevoix-Saguenay. Identifiers: Orphanet 98, MedGen C1849140, MONDO:0010041, OMIM 270550.

gnomAD v4.1: 1 of 1,598,346 alleles (0.000063%); highest among the groups gnomAD compares: Admixed American, 0.0018%; no homozygotes.

Submissions (2):

Women's Health and Genetics/Laboratory Corporation of America, LabCorp
Classification: Uncertain significance. Last evaluated: 2026-03-20. Review status: criteria provided, single submitter. Criteria: LabCorp Variant Classification Summary - May 2015. Collection method: clinical testing. Allele origin: germline.
Comment: Variant summary: SACS c.10672A>G (p.Ile3558Val) results in a conservative amino acid change in the encoded protein sequence. Algorithms developed to predict the effect of missense changes on protein structure and function are either unavailable or do not agree on the potential impact of this missense change. The variant was absent in 235004 control chromosomes. The available data on variant occurrences in the general population are insufficient to allow any conclusion about variant significance. To our knowledge, no occurrence of c.10672A>G in individuals affected with SACS-related conditions and no experimental evidence demonstrating its impact on protein function have been reported. ClinVar contains an entry for this variant (Variation ID: 4061150). Based on the evidence outlined above, the variant was classified as uncertain significance.

Natera, Inc.
Classification: Uncertain significance for Charlevoix-Saguenay type spastic ataxia. Last evaluated: 2025-02-12. Review status: no assertion criteria provided. Collection method: clinical testing. Allele origin: germline. Not counted in ClinVar's aggregate classification.

NM_014363.6(SACS):c.10672A>G (p.Ile3558Val)

Gene: SACS (sacsin molecular chaperone; minus strand). Cytogenetic location: 13q12.12.
Variant type: single nucleotide variant.
Coding change: c.10672A>G on transcript NM_014363.6 (MANE Select); coding-DNA position 10672, A replaced by G.
Protein change: p.Ile3558Val; replaces isoleucine 3558 with valine.
Molecular consequence: missense variant.
Genome position (GRCh38, 1-based): chr13:23,333,204, T>C on the plus strand (A>G on the coding strand, the complement: SACS is on the minus strand). VCF-style: chr13-23333204-T-C. GRCh37 (hg19) VCF-style: chr13-23907343-T-C.
Other names: c.10231A>G, p.Ile3411Val (NM_001278055.2); short protein forms I3411V, I3558V.
Identifiers: ClinVar variation 4061150 (VCV004061150.2).
Genomic context (GRCh38, chr13:23,333,204, plus strand): 5'-ATGTAACATGATTTTTGGGTTTTATAAGTTGTTCCAATTTCTTAAAGAAATCATTAGGAA[T>C]AAACAATTTTTCAGGAAGCATAACTTCAAAAACTCTCACAGTTCTATCATAGAAATGCTT-3'
Protein context (NP_055178.3, residues 3548-3568): FEVMLPEKLF[Ile3558Val]PNDFFKKLEQ